The following is an entry in ClinVar:

ClinVar aggregate classification (germline): Uncertain significance (1 of 4 stars; one submission).

Conditions:
POLD1-related polyposis and colorectal cancer syndrome (CRCS10). Also called: Colorectal cancer 10; COLORECTAL CANCER, SUSCEPTIBILITY TO, ON CHROMOSOME 19q; Colorectal cancer, susceptibility to, 10. Identifiers: Orphanet 220460, MedGen C2675481, MONDO:0012953, OMIM 612591.

Submission:

Labcorp Genetics (formerly Invitae), Labcorp
Classification: Uncertain significance for POLD1-related polyposis and colorectal cancer syndrome. Last evaluated: 2021-03-17. Review status: criteria provided, single submitter. Criteria: Invitae Variant Classification Sherloc (09022015). Collection method: clinical testing. Allele origin: germline.
Comment: This sequence change replaces leucine with phenylalanine at codon 1019 of the POLD1 protein (p.Leu1019Phe). The leucine residue is moderately conserved and there is a small physicochemical difference between leucine and phenylalanine. The frequency data for this variant in the population databases is considered unreliable, as metrics indicate insufficient coverage at this position in the ExAC database. This variant has not been reported in the literature in individuals with POLD1-related conditions. Algorithms developed to predict the effect of missense changes on protein structure and function are either unavailable or do not agree on the potential impact of this missense change (SIFT: "Deleterious"; PolyPhen-2: "Possibly Damaging"; Align-GVGD: "Class C0"). In summary, the available evidence is currently insufficient to determine the role of this variant in disease. Therefore, it has been classified as a Variant of Uncertain Significance.

NM_002691.4(POLD1):c.3055C>T (p.Leu1019Phe)

Gene: POLD1 (DNA polymerase delta 1, catalytic subunit; plus strand). Cytogenetic location: 19q13.33.
Variant type: single nucleotide variant.
Coding change: c.3055C>T on transcript NM_002691.4 (MANE Select); coding-DNA position 3055, C replaced by T.
Protein change: p.Leu1019Phe; replaces leucine 1019 with phenylalanine.
Molecular consequence: missense variant. On other transcripts: non-coding transcript variant (1).
Genome position (GRCh38, 1-based): chr19:50,416,711, C>T. VCF-style: chr19-50416711-C-T. GRCh37 (hg19) VCF-style: chr19-50919968-C-T.
Other names: c.3055C>T, p.Leu1019Phe (NM_001256849.1); c.3133C>T, p.Leu1045Phe (NM_001308632.1); short protein forms L1019F, L1045F.
Identifiers: ClinVar variation 1517120 (VCV001517120.8), dbSNP rs2122498362, ClinGen allele CA406987007.